The following is an entry in ClinVar:

NM_003848.4(SUCLG2):c.294T>A (p.Ser98Arg)

Gene: SUCLG2 (succinate-CoA ligase GDP-forming subunit beta; minus strand). Cytogenetic location: 3p14.1.
Variant type: single nucleotide variant.
Coding change: c.294T>A on transcript NM_003848.4 (MANE Select); coding-DNA position 294, T replaced by A.
Protein change: p.Ser98Arg; replaces serine 98 with arginine.
Molecular consequence: missense variant.
Genome position (GRCh38, 1-based): chr3:67,529,119, A>T on the plus strand (T>A on the coding strand, the complement: SUCLG2 is on the minus strand). VCF-style: chr3-67529119-A-T. GRCh37 (hg19) VCF-style: chr3-67579543-A-T.
Other names: c.294T>A (NM_001177599.1); c.294T>A, p.Ser98Arg (NM_001177599.2); short protein forms S98R.
Identifiers: ClinVar variation 3610670 (VCV003610670.3).

ClinVar aggregate classification (germline): Uncertain significance. Review status: criteria provided, multiple submitters, no conflicts (2 of 4 stars). 2 submissions from 2 submitters: Uncertain significance (2). Last evaluated 2025-08-29.

gnomAD v4.1: 2 of 1,613,020 alleles (0.00012%); highest among the groups gnomAD compares: Non-Finnish European, 0.00017%; no homozygotes.

Submissions (2):

Ambry Genetics
Classification: Uncertain significance. Last evaluated: 2025-08-29. Review status: criteria provided, single submitter. Criteria: Ambry Variant Classification Scheme 2023. Collection method: clinical testing. Allele origin: germline.

Labcorp Genetics (formerly Invitae), Labcorp
Classification: Uncertain significance. Last evaluated: 2024-09-12. Review status: criteria provided, single submitter. Criteria: Invitae Variant Classification Sherloc (09022015). Collection method: clinical testing. Allele origin: germline.
Comment: This sequence change replaces serine, which is neutral and polar, with arginine, which is basic and polar, at codon 98 of the SUCLG2 protein (p.Ser98Arg). This variant is present in population databases (no rsID available, gnomAD 0.002%). This variant has not been reported in the literature in individuals affected with SUCLG2-related conditions. An algorithm developed to predict the effect of missense changes on protein structure and function (PolyPhen-2) suggests that this variant is likely to be disruptive. In summary, the available evidence is currently insufficient to determine the role of this variant in disease. Therefore, it has been classified as a Variant of Uncertain Significance.